The following is an entry in ClinVar:

ClinVar aggregate classification (germline): Uncertain significance (1 of 4 stars; one submission).

Conditions:
Periventricular nodular heterotopia 8. Identifiers: MedGen C4748602, MONDO:0032588, OMIM 618185.

Submission:

3billion
Classification: Uncertain significance for Periventricular nodular heterotopia 8. Last evaluated: 2025-12-29. Review status: criteria provided, single submitter. Criteria: ACMG Guidelines, 2015. Collection method: clinical testing. Allele origin: germline. Affected: yes.
Comment: The variant is not observed in the gnomAD v4.1.0 dataset. Predicted Consequence/Location: Missense variant. Missense changes are a common disease-causing mechanism. In silico tool predictions suggest damaging effect of the variant on gene or gene product [REVEL: 0.69 (>=0.6, sensitivity 0.68 and specificity 0.92); 3Cnet: 0.98 (> 0.75, sensitivity 0.96 and precision 0.92)]. Different missense changes at the same codon (p.Pro131Arg, p.Pro131Leu) have been reported as pathogenic/likely pathogenic with strong evidence (ClinVar ID: VCV001343799, VCV001343800). However the evidence of pathogenicity is insufficient at this time. Therefore, this variant is classified as VUS according to the recommendation of ACMG/AMP guideline.

NM_001658.4(ARF1):c.391C>T (p.Pro131Ser)

Genes: ARF1 (ARF GTPase 1; plus strand), LOC126806039 (CDK7 strongly-dependent group 2 enhancer GRCh37_chr1:228284937-228286136; plus strand). Cytogenetic location: 1q42.13.
Variant type: single nucleotide variant.
Coding change: c.391C>T on transcript NM_001658.4 (MANE Select); coding-DNA position 391, C replaced by T.
Protein change: p.Pro131Ser; replaces proline 131 with serine.
Molecular consequence: missense variant.
Genome position (GRCh38, 1-based): chr1:228,097,858, C>T. VCF-style: chr1-228097858-C-T. GRCh37 (hg19) VCF-style: chr1-228285559-C-T.
Other names: c.391C>T, p.Pro131Ser (NM_001024226.2, NM_001024227.1, NM_001024228.2); short protein forms P131S.
Identifiers: ClinVar variation 4853889 (VCV004853889.1).